The following is an entry in ClinVar:

NM_025103.4(IFT74):c.1497G>C (p.Lys499Asn)

Gene: IFT74 (intraflagellar transport 74; plus strand). Cytogenetic location: 9p21.2.
Variant type: single nucleotide variant.
Coding change: c.1497G>C on transcript NM_025103.4 (MANE Select); coding-DNA position 1497, G replaced by C.
Protein change: p.Lys499Asn; replaces lysine 499 with asparagine.
Molecular consequence: missense variant.
Genome position (GRCh38, 1-based): chr9:27,055,772, G>C. VCF-style: chr9-27055772-G-C. GRCh37 (hg19) VCF-style: chr9-27055770-G-C.
Other names: c.1497G>C, p.Lys499Asn (NM_001099222.3, NM_001099223.3, NM_001349928.2); short protein forms K499N.
Identifiers: ClinVar variation 2628984 (VCV002628984.3), dbSNP rs369190891, ClinGen allele CA5015678.

ClinVar aggregate classification (germline): Uncertain significance (1 of 4 stars; one submission).

Conditions:
IFT74-related disorder. Also called: IFT74-related condition; IFT74-Related Disorders.

Allele frequency attached by ClinVar (database versions not stated): gnomAD exomes 0.00001; ExAC 0.00003; gnomAD 0.00004; TOPMed 0.00007; ESP Exome Variant Server 0.00009.
gnomAD v4.1: 17 of 1,506,950 alleles (0.0011%); highest among the groups gnomAD compares: African/African-American, 0.019%; no homozygotes.

Submission:

PreventionGenetics, part of Exact Sciences
Classification: Uncertain significance for IFT74-related condition. Last evaluated: 2026-06-25. Review status: criteria provided, single submitter. Criteria: ACMG Guidelines, 2015. Collection method: clinical testing. Allele origin: germline.
Comment: The IFT74 c.1497G>C variant is predicted to result in the amino acid substitution p.Lys499Asn. This variant is also the last nucleotide of the exon and is predicted to weaken the canonical splice donor site (SpliceAI, Jaganathan et al. 2019. PubMed ID: 30661751). To our knowledge, this variant has not been reported in the literature. This variant is reported in 0.027% of alleles in individuals of African descent in gnomAD. At this time, the clinical significance of this variant is uncertain due to the absence of conclusive functional and genetic evidence.